The following is an entry in ClinVar:

NM_007294.4(BRCA1):c.594-545C>G

Gene: BRCA1 (BRCA1 DNA repair associated; minus strand). Cytogenetic location: 17q21.31.
Variant type: single nucleotide variant.
Coding change: c.594-545C>G on transcript NM_007294.4 (MANE Select); 545 bases into the intron before coding-DNA position 594, C replaced by G.
Molecular consequence: intron variant.
Genome position (GRCh38, 1-based): chr17:43,096,467, G>C on the plus strand (C>G on the coding strand, the complement: BRCA1 is on the minus strand). VCF-style: chr17-43096467-G-C. GRCh37 (hg19) VCF-style: chr17-41248484-G-C.
Other names: IVS 9-545C>G; c.407-1607C>G (NM_001407922.1, NM_001408498.1, NM_001407928.1 and 15 more transcripts); c.453-545C>G (NM_001408469.1, NM_001408453.1, NM_001407737.1 and 43 more transcripts); c.450-545C>G (NM_001407746.1, NM_001408464.1, NM_001407742.1 and 26 more transcripts); c.384-545C>G (NM_001407886.1, NM_001407881.1, NM_001408506.1 and 27 more transcripts); c.545-1607C>G (NM_001407686.1, NM_001408446.1, NM_001408435.1 and 20 more transcripts); c.591-545C>G (NM_001408397.1, NM_001407632.1, NM_001407613.1 and 41 more transcripts); c.548-1607C>G (NM_001408436.1, NM_001407665.1, NM_001408444.1 and 34 more transcripts); and 18 more.
Identifiers: ClinVar variation 209450 (VCV000209450.4), dbSNP rs66499067, ClinGen allele CA276421.

ClinVar aggregate classification (germline): Benign. Review status: reviewed by expert panel (3 of 4 stars). 2 submissions from 2 submitters: Benign (1). 1 of the submissions does not count toward it. Last evaluated 2015-01-12.

Conditions:
Breast-ovarian cancer, familial, susceptibility to, 1 (BROVCA1). Also called: BRCA1 Hereditary Breast and Ovarian Cancer; OVARIAN CANCER, SUSCEPTIBILITY TO. Identifiers: Orphanet 145, MedGen C2676676, MONDO:0011450, OMIM 604370. Disease mechanism: loss of function.

Allele frequency attached by ClinVar (database versions not stated): TOPMed 0.28232; gnomAD 0.28816 and 0.29697; 1000 Genomes Project 30x 0.32901; 1000 Genomes Project 0.33486.
gnomAD v4.1: 44,670 of 150,284 alleles (30%); highest among the groups gnomAD compares: South Asian, 49%; 7,172 homozygotes.

Submissions (2):

Evidence-based Network for the Interpretation of Germline Mutant Alleles (ENIGMA)
Classification: Benign for Breast-ovarian cancer, familial 1. Last evaluated: 2015-01-12. Review status: reviewed by expert panel. Criteria: ENIGMA BRCA1/2 Classification Criteria (2015). Collection method: curation. Allele origin: germline.
Comment: Class 1 not pathogenic based on frequency >1% in an outbred sampleset. Frequency 0.3304 (Asian), 0.128 (African), 0.3536 (European), derived from 1000 genomes (2012-04-30).

GeneDx
Classification: Benign. Last evaluated: 2019-06-14. Review status: criteria provided, single submitter. Criteria: GeneDx Variant Classification Process June 2021. Collection method: clinical testing. Allele origin: germline. Affected: yes. Not counted in ClinVar's aggregate classification.